The following is an entry in ClinVar:

NM_001278116.2(L1CAM):c.1313C>G (p.Ala438Gly)

Gene: L1CAM (L1 cell adhesion molecule; minus strand). Cytogenetic location: Xq28.
Variant type: single nucleotide variant.
Coding change: c.1313C>G on transcript NM_001278116.2 (MANE Select); coding-DNA position 1313, C replaced by G.
Protein change: p.Ala438Gly; replaces alanine 438 with glycine.
Molecular consequence: missense variant.
Genome position (GRCh38, 1-based): chrX:153,868,907, G>C on the plus strand (C>G on the coding strand, the complement: L1CAM is on the minus strand). VCF-style: chrX-153868907-G-C. GRCh37 (hg19) VCF-style: chrX-153134362-G-C.
Other names: c.1313C>G, p.Ala438Gly (NM_000425.5, NM_024003.3); c.1298C>G, p.Ala433Gly (NM_001143963.2); short protein forms A433G, A438G.
Identifiers: ClinVar variation 4853709 (VCV004853709.1).
Genomic context (GRCh38, chrX:153,868,907, plus strand): 5'-ACACTGGGCACAGGCGCTCCGAAGGCCTTGCACAGAAGGTAGGCAGTGCTGCCCTGGACA[G>C]CCATGTACGTCTGATTGTCCGCAGTCAGGATCTTGGCTGGCAGCTCTAGGGGAGGAACAG-3'
Protein context (NP_001265045.1, residues 428-448): ILTADNQTYM[Ala438Gly]VQGSTAYLLC

ClinVar aggregate classification (germline): Uncertain significance (1 of 4 stars; one submission).

gnomAD v4.1: 6 of 1,210,334 alleles (0.0005%); highest among the groups gnomAD compares: Non-Finnish European, 0.00067%; no homozygotes.

Submission:

Women's Health and Genetics/Laboratory Corporation of America, LabCorp
Classification: Uncertain significance. Last evaluated: 2026-05-22. Review status: criteria provided, single submitter. Criteria: LabCorp Variant Classification Summary - May 2015. Collection method: clinical testing. Allele origin: germline.
Comment: Variant summary: L1CAM c.1313C>G (p.Ala438Gly) results in a non-conservative amino acid change in the encoded protein sequence. Algorithms developed to predict the effect of missense changes on protein structure and function are either unavailable or do not agree on the potential impact of this missense change. The variant was absent in 183396 control chromosomes. The available data on variant occurrences in the general population are insufficient to allow any conclusion about variant significance. To our knowledge, no occurrence of c.1313C>G in individuals affected with L1CAM-related conditions and no experimental evidence demonstrating its impact on protein function have been reported. No submitters have cited clinical-significance assessments for this variant to ClinVar. Based on the evidence outlined above, the variant was classified as uncertain significance.